The following is an entry in ClinVar:

NM_004177.5(STX3):c.443G>A (p.Arg148Gln)

Gene: STX3 (syntaxin 3; plus strand). Cytogenetic location: 11q12.1.
Variant type: single nucleotide variant.
Coding change: c.443G>A on transcript NM_004177.5 (MANE Select); coding-DNA position 443, G replaced by A.
Protein change: p.Arg148Gln; replaces arginine 148 with glutamine.
Molecular consequence: missense variant.
Genome position (GRCh38, 1-based): chr11:59,792,192, G>A. VCF-style: chr11-59792192-G-A. GRCh37 (hg19) VCF-style: chr11-59559665-G-A.
Other names: c.443G>A, p.Arg148Gln (NM_001178040.3); short protein forms R148Q.
Identifiers: ClinVar variation 1502642 (VCV001502642.5), dbSNP rs539143239, ClinGen allele CA6020881.
Genomic context (GRCh38, chr11:59,792,192, plus strand): 5'-TGGAGGTGATGACCAAATACAATGAAGCTCAAGTGGACTTCCGAGAACGCAGCAAAGGGC[G>A]AATCCAGCGGCAGCTCGAAATTAGTATGTACTTGAGGTTTGGCGTGTGCCCTCCACCTTT-3'
Protein context (NP_004168.1, residues 138-158): QVDFRERSKG[Arg148Gln]IQRQLEITGK

ClinVar aggregate classification (germline): Uncertain significance (1 of 4 stars; one submission).

Allele frequency attached by ClinVar (database versions not stated): gnomAD exomes below 0.00001 and 0.00001; ExAC 0.00001; gnomAD 0.00001; 1000 Genomes Project 30x 0.00016; 1000 Genomes Project 0.00020.
gnomAD v4.1: 22 of 1,613,954 alleles (0.0014%); highest among the groups gnomAD compares: Admixed American, 0.0017%; no homozygotes.

Submission:

Labcorp Genetics (formerly Invitae), Labcorp
Classification: Uncertain significance. Last evaluated: 2021-08-20. Review status: criteria provided, single submitter. Criteria: Invitae Variant Classification Sherloc (09022015). Collection method: clinical testing. Allele origin: germline.
Comment: This sequence change replaces arginine with glutamine at codon 148 of the STX3 protein (p.Arg148Gln). The arginine residue is highly conserved and there is a small physicochemical difference between arginine and glutamine. This variant is present in population databases (rs539143239, ExAC 0.009%). This variant has not been reported in the literature in individuals affected with STX3-related conditions. Algorithms developed to predict the effect of missense changes on protein structure and function are either unavailable or do not agree on the potential impact of this missense change (SIFT: "Tolerated"; PolyPhen-2: "Possibly Damaging"; Align-GVGD: "Class C0"). In summary, the available evidence is currently insufficient to determine the role of this variant in disease. Therefore, it has been classified as a Variant of Uncertain Significance.